The following is an entry in ClinVar:

NM_203447.4(DOCK8):c.2779-237T>G

Gene: DOCK8 (dedicator of cytokinesis 8; plus strand). Cytogenetic location: 9p24.3.
Variant type: single nucleotide variant.
Coding change: c.2779-237T>G on transcript NM_203447.4 (MANE Select); 237 bases into the intron before coding-DNA position 2779, T replaced by G.
Molecular consequence: intron variant.
Genome position (GRCh38, 1-based): chr9:386,094, T>G. VCF-style: chr9-386094-T-G. GRCh37 (hg19) VCF-style: chr9-386094-T-G.
Other names: c.2575-237T>G (NM_001193536.2); c.2574+3409T>G (NM_001190458.2).
Identifiers: ClinVar variation 676851 (VCV000676851.1), dbSNP rs9650706, ClinGen allele CA13022858.
Genomic context (GRCh38, chr9:386,094, plus strand): 5'-CCCCTGAAGTCACAGACTCCTAGAAGGGACTACTCAGCAGCCCAGATTCTTAAATAGTTT[T>G]TAACTGTAGGTTGCTACACACAAACTATTAACGGGTGTTGTCTCAAGAGCAAGTAAAATT-3'

ClinVar aggregate classification (germline): Benign (1 of 4 stars; one submission).

Allele frequency attached by ClinVar (database versions not stated): 1000 Genomes Project 0.23702; 1000 Genomes Project 30x 0.24032; gnomAD 0.27258 and 0.27642; TOPMed 0.27456.
gnomAD v4.1: 41,593 of 152,068 alleles (27%); highest among the groups gnomAD compares: African/African-American, 31%; 5,934 homozygotes.

Submission:

GeneDx
Classification: Benign. Last evaluated: 2018-06-16. Review status: criteria provided, single submitter. Criteria: GeneDx Variant Classification (06012015). Collection method: clinical testing. Allele origin: germline. Affected: yes.
Comment: This variant is considered likely benign or benign based on one or more of the following criteria: it is a conservative change, it occurs at a poorly conserved position in the protein, it is predicted to be benign by multiple in silico algorithms, and/or has population frequency not consistent with disease.